The following is an entry in ClinVar:

ClinVar aggregate classification (germline): Uncertain significance. Review status: criteria provided, multiple submitters, no conflicts (2 of 4 stars). 3 submissions from 3 submitters: Uncertain significance (2). 1 of the submissions does not count toward it. Last evaluated 2025-02-06.

Conditions:
COL4A3-related disorder. Also called: COL4A3-related condition; COL4A3-Related Disorders.

Allele frequency attached by ClinVar (database versions not stated): gnomAD exomes below 0.00001.
gnomAD v4.1: 1 of 1,613,914 alleles (0.000062%); highest among the groups gnomAD compares: Admixed American, 0.0017%; no homozygotes.

Submissions (3):

Labcorp Genetics (formerly Invitae), Labcorp
Classification: Uncertain significance. Last evaluated: 2025-02-06. Review status: criteria provided, single submitter. Criteria: Invitae Variant Classification Sherloc (09022015). Collection method: clinical testing. Allele origin: germline.
Comment: This sequence change replaces glutamic acid, which is acidic and polar, with valine, which is neutral and non-polar, at codon 1084 of the COL4A3 protein (p.Glu1084Val). This variant is not present in population databases (gnomAD no frequency). This variant has not been reported in the literature in individuals affected with COL4A3-related conditions. ClinVar contains an entry for this variant (Variation ID: 1120090). Invitae Evidence Modeling of protein sequence and biophysical properties (such as structural, functional, and spatial information, amino acid conservation, physicochemical variation, residue mobility, and thermodynamic stability) has been performed for this missense variant. However, the output from this modeling did not meet the statistical confidence thresholds required to predict the impact of this variant on COL4A3 protein function. In summary, the available evidence is currently insufficient to determine the role of this variant in disease. Therefore, it has been classified as a Variant of Uncertain Significance.

Laboratory for Molecular Medicine, Mass General Brigham Personalized Medicine
Classification: Uncertain significance. Last evaluated: 2020-05-27. Review status: criteria provided, single submitter. Criteria: LMM Criteria. Collection method: clinical testing. Allele origin: germline. Observed: 1 variant allele.
Comment: The p.Glu1084Val variant in COL4A3 has not been previously reported in individuals with hearing loss and was absent from large population studies. Computational prediction tools and conservation analyses do not provide strong support for or against an impact to the protein. In summary, the clinical significance of this variant is uncertain. ACMG/AMP Criteria applied: PM2.

PreventionGenetics, part of Exact Sciences
Classification: Uncertain significance for COL4A3-related condition. Last evaluated: 2024-05-03. Review status: no assertion criteria provided. Collection method: clinical testing. Allele origin: germline. Not counted in ClinVar's aggregate classification.
Comment: The COL4A3 c.3251A>T variant is predicted to result in the amino acid substitution p.Glu1084Val. To our knowledge, this variant has not been reported in the literature or in a large population database, indicating this variant is rare. At this time, the clinical significance of this variant is uncertain due to the absence of conclusive functional and genetic evidence.

NM_000091.5(COL4A3):c.3251A>T (p.Glu1084Val)

Genes: COL4A3 (collagen type IV alpha 3 chain; plus strand), MFF-DT (MFF divergent transcript; minus strand). Cytogenetic location: 2q36.3.
Variant type: single nucleotide variant.
Coding change: c.3251A>T on transcript NM_000091.5 (MANE Select); coding-DNA position 3251, A replaced by T.
Protein change: p.Glu1084Val; replaces glutamic acid 1084 with valine.
Molecular consequence: missense variant.
Genome position (GRCh38, 1-based): chr2:227,293,231, A>T. VCF-style: chr2-227293231-A-T. GRCh37 (hg19) VCF-style: chr2-228157947-A-T.
Other names: c.3251A>T (NM_000091.4); short protein forms E1084V.
Identifiers: ClinVar variation 1120090 (VCV001120090.8), dbSNP rs2072858880, ClinGen allele CA350857402.